The following is an entry in ClinVar:

ClinVar aggregate classification (germline): Benign (1 of 4 stars; one submission).

Conditions:
Generalized juvenile polyposis/juvenile polyposis coli. Also called: Juvenile polyposis coli. Identifiers: Orphanet 329971, MedGen C1868081, MONDO:0008276.

Allele frequency attached by ClinVar (database versions not stated): 1000 Genomes Project 0.00100; 1000 Genomes Project 30x 0.00125; gnomAD exomes 0.00317; gnomAD 0.00320 and 0.00329.
gnomAD v4.1: 742 of 235,266 alleles (0.32%); highest among the groups gnomAD compares: Non-Finnish European, 0.43%; no homozygotes.

Submission:

Illumina Laboratory Services, Illumina
Classification: Benign for Juvenile polyposis syndrome. Last evaluated: 2018-01-13. Review status: criteria provided, single submitter. Criteria: ICSL Variant Classification Criteria 13 December 2019. Collection method: clinical testing. Allele origin: germline.
Comment: This variant was observed in the ICSL laboratory as part of a predisposition screen in an ostensibly healthy population. It had not been previously curated by ICSL or reported in the Human Gene Mutation Database (HGMD: prior to June 1st, 2018), and was therefore a candidate for classification through an automated scoring system. Utilizing variant allele frequency, disease prevalence and penetrance estimates, and inheritance mode, an automated score was calculated to assess if this variant is too frequent to cause the disease. Based on the score and internal cut-off values, a variant classified as benign is not then subjected to further curation. The score for this variant resulted in a classification of benign for this disease.

NM_004329.3(BMPR1A):c.*654A>G

Gene: BMPR1A (bone morphogenetic protein receptor type 1A; plus strand). Cytogenetic location: 10q23.2.
Variant type: single nucleotide variant.
Coding change: c.*654A>G on transcript NM_004329.3 (MANE Select); 654 bases downstream of the stop codon, A replaced by G.
Molecular consequence: 3 prime UTR variant.
Genome position (GRCh38, 1-based): chr10:86,924,373, A>G. VCF-style: chr10-86924373-A-G. GRCh37 (hg19) VCF-style: chr10-88684130-A-G.
Identifiers: ClinVar variation 878574 (VCV000878574.4), dbSNP rs575853350, ClinGen allele CA211212054.